The following is an entry in ClinVar:

NM_019066.5(MAGEL2):c.1700C>G (p.Pro567Arg)

Gene: MAGEL2 (MAGE family member L2; minus strand). Cytogenetic location: 15q11.2.
Variant type: single nucleotide variant.
Coding change: c.1700C>G on transcript NM_019066.5 (MANE Select); coding-DNA position 1700, C replaced by G.
Protein change: p.Pro567Arg; replaces proline 567 with arginine.
Molecular consequence: missense variant.
Genome position (GRCh38, 1-based): chr15:23,646,043, G>C on the plus strand (C>G on the coding strand, the complement: MAGEL2 is on the minus strand). VCF-style: chr15-23646043-G-C. GRCh37 (hg19) VCF-style: chr15-23891190-G-C.
Other names: c.1700C>G (NM_019066.4); short protein forms P567R.
Identifiers: ClinVar variation 1908789 (VCV001908789.7), dbSNP rs1234471459, ClinGen allele CA391333505.

ClinVar aggregate classification (germline): Uncertain significance. Review status: criteria provided, multiple submitters, no conflicts (2 of 4 stars). 3 submissions from 3 submitters: Uncertain significance (2). 1 of the submissions does not count toward it. Last evaluated 2025-02-24.

Conditions:
MAGEL2-related disorder. Also called: MAGEL2-related condition.
Inborn genetic diseases. Identifiers: MedGen C0950123, MeSH D030342.

Submissions (3):

Labcorp Genetics (formerly Invitae), Labcorp
Classification: Uncertain significance. Last evaluated: 2025-02-24. Review status: criteria provided, single submitter. Criteria: Invitae Variant Classification Sherloc (09022015). Collection method: clinical testing. Allele origin: germline.
Comment: This sequence change replaces proline, which is neutral and non-polar, with arginine, which is basic and polar, at codon 567 of the MAGEL2 protein (p.Pro567Arg). The frequency data for this variant in the population databases is considered unreliable, as metrics indicate poor data quality at this position in the gnomAD database. This variant has not been reported in the literature in individuals affected with MAGEL2-related conditions. ClinVar contains an entry for this variant (Variation ID: 1908789). Experimental studies and prediction algorithms are not available or were not evaluated, and the functional significance of this variant is currently unknown. In summary, the available evidence is currently insufficient to determine the role of this variant in disease. Therefore, it has been classified as a Variant of Uncertain Significance.

Ambry Genetics
Classification: Uncertain significance for Inborn genetic diseases. Last evaluated: 2023-12-21. Review status: criteria provided, single submitter. Criteria: Ambry Variant Classification Scheme 2023. Collection method: clinical testing. Allele origin: germline.

PreventionGenetics, part of Exact Sciences
Classification: Uncertain significance for MAGEL2-related condition. Last evaluated: 2024-08-19. Review status: no assertion criteria provided. Collection method: clinical testing. Allele origin: germline. Not counted in ClinVar's aggregate classification.
Comment: The MAGEL2 c.1700C>G variant is predicted to result in the amino acid substitution p.Pro567Arg. To our knowledge, this variant has not been reported in the literature. This variant is reported in 0.0031% of alleles in individuals of European (Non-Finnish) descent in gnomAD. At this time, the clinical significance of this variant is uncertain due to the absence of conclusive functional and genetic evidence.